The following is an entry in ClinVar:

NM_003482.4(KMT2D):c.161C>G (p.Thr54Ser)

Gene: KMT2D (lysine methyltransferase 2D; minus strand). Cytogenetic location: 12q13.12.
Variant type: single nucleotide variant.
Coding change: c.161C>G on transcript NM_003482.4 (MANE Select); coding-DNA position 161, C replaced by G.
Protein change: p.Thr54Ser; replaces threonine 54 with serine.
Molecular consequence: missense variant.
Genome position (GRCh38, 1-based): chr12:49,054,915, G>C on the plus strand (C>G on the coding strand, the complement: KMT2D is on the minus strand). VCF-style: chr12-49054915-G-C. GRCh37 (hg19) VCF-style: chr12-49448698-G-C.
Other names: short protein forms T54S.
Identifiers: ClinVar variation 2128593 (VCV002128593.4), dbSNP rs1187636945, ClinGen allele CA384689805.

ClinVar aggregate classification (germline): Uncertain significance (1 of 4 stars; one submission).

Conditions:
Kabuki syndrome. Also called: NIIKAWA-KUROKI SYNDROME; Kabuki make-up syndrome. Identifiers: Orphanet 2322, MedGen C0796004, MONDO:0016512.

Submission:

Labcorp Genetics (formerly Invitae), Labcorp
Classification: Uncertain significance for Kabuki syndrome. Last evaluated: 2022-11-01. Review status: criteria provided, single submitter. Criteria: Invitae Variant Classification Sherloc (09022015). Collection method: clinical testing. Allele origin: germline.
Comment: In summary, the available evidence is currently insufficient to determine the role of this variant in disease. Therefore, it has been classified as a Variant of Uncertain Significance. Advanced modeling of protein sequence and biophysical properties (such as structural, functional, and spatial information, amino acid conservation, physicochemical variation, residue mobility, and thermodynamic stability) performed at Invitae indicates that this missense variant is not expected to disrupt KMT2D protein function. This variant has not been reported in the literature in individuals affected with KMT2D-related conditions. This variant is not present in population databases (gnomAD no frequency). This sequence change replaces threonine, which is neutral and polar, with serine, which is neutral and polar, at codon 54 of the KMT2D protein (p.Thr54Ser).